The following is an entry in ClinVar:

NM_000843.4(GRM6):c.2267G>A (p.Gly756Asp)

Genes: GRM6 (glutamate metabotropic receptor 6; minus strand), ZNF454 (zinc finger protein 454; plus strand). Cytogenetic location: 5q35.3.
Variant type: single nucleotide variant.
Coding change: c.2267G>A on transcript NM_000843.4 (MANE Select); coding-DNA position 2267, G replaced by A.
Protein change: p.Gly756Asp; replaces glycine 756 with aspartic acid.
Molecular consequence: missense variant.
Genome position (GRCh38, 1-based): chr5:178,983,079, C>T on the plus strand (G>A on the coding strand, the complement: GRM6 is on the minus strand). VCF-style: chr5-178983079-C-T. GRCh37 (hg19) VCF-style: chr5-178410080-C-T.
Other names: short protein forms G756D.
Identifiers: ClinVar variation 2136357 (VCV002136357.5), dbSNP rs539727841, ClinGen allele CA3593579.
Genomic context (GRCh38, chr5:178,983,079, plus strand): 5'-GGCACGCCACGGGCCTTGATGGCGTACACTGTGCACGTGACCATGAGCAGGAGGCTGTAG[C>T]CCAGGCAGCCGATGAGAGACAGATCCGACATGTCGCACTTGAGCACCCCTCTGGCCTGCT-3'
Protein context (NP_000834.2, residues 746-766): MSDLSLIGCL[Gly756Asp]YSLLLMVTCT

ClinVar aggregate classification (germline): Pathogenic/Likely pathogenic. Review status: criteria provided, multiple submitters, no conflicts (2 of 4 stars). 2 submissions from 2 submitters: Pathogenic (1); Likely pathogenic (1). Last evaluated 2024-02-24.

Conditions:
Retinal dystrophy. Also called: Inherited retinal dystrophy. Identifiers: Orphanet 71862, MedGen C0854723, MeSH D058499, MONDO:0019118, HP:0000556.

Allele frequency attached by ClinVar (database versions not stated): TOPMed below 0.00001; gnomAD exomes 0.00003; gnomAD 0.00004; ExAC 0.00007; 1000 Genomes Project 0.00020; 1000 Genomes Project 30x 0.00047.
gnomAD v4.1: 48 of 1,614,172 alleles (0.003%); highest among the groups gnomAD compares: South Asian, 0.051%; 2 homozygotes.

Submissions (2):

Labcorp Genetics (formerly Invitae), Labcorp
Classification: Pathogenic. Last evaluated: 2024-02-24. Review status: criteria provided, single submitter. Criteria: Invitae Variant Classification Sherloc (09022015). Collection method: clinical testing. Allele origin: germline.
Comment: This sequence change replaces glycine, which is neutral and non-polar, with aspartic acid, which is acidic and polar, at codon 756 of the GRM6 protein (p.Gly756Asp). This variant is present in population databases (rs539727841, gnomAD 0.04%). This missense change has been observed in individuals with congenital stationary night blindness (PMID: 22008250, 24715752, 26628857). It has also been observed to segregate with disease in related individuals. ClinVar contains an entry for this variant (Variation ID: 2136357). Advanced modeling of protein sequence and biophysical properties (such as structural, functional, and spatial information, amino acid conservation, physicochemical variation, residue mobility, and thermodynamic stability) performed at Invitae indicates that this missense variant is expected to disrupt GRM6 protein function with a positive predictive value of 80%. For these reasons, this variant has been classified as Pathogenic.

Institute of Human Genetics, Univ. Regensburg, Univ. Regensburg
Classification: Likely pathogenic for Retinal dystrophy. Last evaluated: 2020-01-01. Review status: criteria provided, single submitter. Criteria: ACMG Guidelines, 2015. Collection method: clinical testing. Allele origin: germline. Affected: yes.

Literature cited by the submitters: PubMed 22008250 (cited by Labcorp Genetics (formerly Invitae), Labcorp and Institute of Human Genetics, Univ. Regensburg, Univ. Regensburg); PubMed 24715752 (cited by Labcorp Genetics (formerly Invitae), Labcorp); PubMed 26628857 (cited by Labcorp Genetics (formerly Invitae), Labcorp and Institute of Human Genetics, Univ. Regensburg, Univ. Regensburg); PubMed 31964843 (cited by Institute of Human Genetics, Univ. Regensburg, Univ. Regensburg); PubMed 34426522 (cited by Institute of Human Genetics, Univ. Regensburg, Univ. Regensburg).